The following is an entry in ClinVar:

ClinVar aggregate classification (germline): Likely pathogenic (1 of 4 stars; one submission).

Conditions:
Schimke immuno-osseous dysplasia (SIOD). Also called: Schimke Immunoosseous Dysplasia. Identifiers: Orphanet 1830, MedGen C0877024, MONDO:0009458, OMIM 242900.

Submission:

Natera, Inc.
Classification: Likely pathogenic for Schimke immuno-osseous dysplasia. Last evaluated: 2025-10-25. Review status: criteria provided, single submitter. Criteria: Natera Variant Classification Schema (03/2026). Collection method: clinical testing. Allele origin: germline.
Comment: The c.1146_1147del variant in SMARCAL1 is a frameshift variant predicted to shift the reading frame beginning at codon 383 and leads to a stop codon 44 codons downstream. This variant is expected to result in nonsense mediated decay, truncation, or a dysfunctional protein product. This variant is rare in the general population with a frequency below the threshold expected for the associated phenotype(s). This variant has been found together with another disease-causing variant in the same copy of the gene (PMID: 15523612, 22998683). Given the available evidence, this variant is classified as Likely Pathogenic.

Literature cited by the submitters: PubMed 15523612; PubMed 22998683.

NM_014140.4(SMARCAL1):c.1146_1147del (p.Ile383fs)

Gene: SMARCAL1 (SNF2 related chromatin remodeling annealing helicase 1; plus strand). Cytogenetic location: 2q35.
Variant type: Deletion.
Coding change: c.1146_1147del on transcript NM_014140.4 (MANE Select); coding-DNA positions 1146 to 1147, 2 bases deleted (AA; older notation c.1146_1147delAA).
Protein change: p.Ile383fs; shifts the reading frame from isoleucine 383.
Molecular consequence: frameshift variant.
Genome position (GRCh38, 1-based): chr2:216,423,682-216,423,683, AA deleted. VCF-style (leftmost placement, unchanged base first): chr2-216423681-TAA-T. GRCh37 (hg19) VCF-style: chr2-217288404-TAA-T.
Other names: c.1146_1147del, p.Ile383fs (NM_001127207.2); c.1146_1147delAA, p.Ile383Cysfs (NM_014140.3); short protein forms I383fs.
Identifiers: ClinVar variation 4815592 (VCV004815592.1).
Genomic context (GRCh38, chr2:216,423,681, plus strand): 5'-TTGTCATTGCAGATGTCAAGACCAGGAAGTGGAGCTTTCTCTTGGAAGAGCACAGTAAAC[TAA>T]GTGAGAAGCCTTCCTTACTTGTTTTATATCATGCTATTGTTAAGCTTTAATAATTCACCT-3'